The following is an entry in ClinVar:

ClinVar aggregate classification (germline): Uncertain significance (1 of 4 stars; one submission).

Submission:

GeneDx
Classification: Uncertain significance. Last evaluated: 2024-12-27. Review status: criteria provided, single submitter. Criteria: GeneDx Variant Classification Process June 2021. Collection method: clinical testing. Allele origin: germline. Affected: yes.
Comment: Not observed at significant frequency in large population cohorts (gnomAD); In silico analysis supports that this missense variant has a deleterious effect on protein structure/function; Has not been previously published as pathogenic or benign to our knowledge

NM_001039591.3(USP9X):c.1109A>T (p.His370Leu)

Gene: USP9X (ubiquitin specific peptidase 9 X-linked; plus strand). Cytogenetic location: Xp11.4.
Variant type: single nucleotide variant.
Coding change: c.1109A>T on transcript NM_001039591.3 (MANE Select); coding-DNA position 1109, A replaced by T.
Protein change: p.His370Leu; replaces histidine 370 with leucine.
Molecular consequence: missense variant.
Genome position (GRCh38, 1-based): chrX:41,141,379, A>T. VCF-style: chrX-41141379-A-T. GRCh37 (hg19) VCF-style: chrX-41000632-A-T.
Other names: c.1109A>T, p.His370Leu (NM_001039590.3, NM_001410748.1, NM_001410749.1); short protein forms H370L.
Identifiers: ClinVar variation 3908069 (VCV003908069.1).